The following is an entry in ClinVar:

ClinVar aggregate classification (germline): Uncertain significance (1 of 4 stars; one submission).

Submission:

Labcorp Genetics (formerly Invitae), Labcorp
Classification: Uncertain significance. Last evaluated: 2024-01-15. Review status: criteria provided, single submitter. Criteria: Invitae Variant Classification Sherloc (09022015). Collection method: clinical testing. Allele origin: germline.
Comment: This variant is a gross deletion of the genomic region encompassing exon(s) 15 of the DNA2 gene. This deletion is out-of-frame, and is expected to create a premature translational stop signal and result in an absent or disrupted protein product. However, the current clinical and genetic evidence is not sufficient to establish whether loss-of-function variants in DNA2 cause disease. This variant has not been reported in the literature in individuals affected with DNA2-related conditions. In summary, the available evidence is currently insufficient to determine the role of this variant in disease. Therefore, it has been classified as a Variant of Uncertain Significance.

NC_000010.10:g.(?_70182373)_(70187737_?)del

Gene: DNA2 (DNA replication helicase/nuclease 2; minus strand). Cytogenetic location: 10q21.3.
Variant type: Deletion.
Identifiers: ClinVar variation 2423640 (VCV002423640.4).